The following is an entry in ClinVar:

NM_182641.4(BPTF):c.938G>A (p.Ser313Asn)

Gene: BPTF (bromodomain PHD finger transcription factor; plus strand). Cytogenetic location: 17q24.2.
Variant type: single nucleotide variant.
Coding change: c.938G>A on transcript NM_182641.4 (MANE Select); coding-DNA position 938, G replaced by A.
Protein change: p.Ser313Asn; replaces serine 313 with asparagine.
Molecular consequence: missense variant.
Genome position (GRCh38, 1-based): chr17:67,854,264, G>A. VCF-style: chr17-67854264-G-A. GRCh37 (hg19) VCF-style: chr17-65850380-G-A.
Other names: c.938G>A, p.Ser313Asn (NM_004459.7); short protein forms S313N.
Identifiers: ClinVar variation 3899112 (VCV003899112.1).

ClinVar aggregate classification (germline): Uncertain significance (1 of 4 stars; one submission).

Submission:

GeneDx
Classification: Uncertain significance. Last evaluated: 2024-11-09. Review status: criteria provided, single submitter. Criteria: GeneDx Variant Classification Process June 2021. Collection method: clinical testing. Allele origin: germline. Affected: yes.
Comment: Not observed at significant frequency in large population cohorts (gnomAD); In silico analysis supports that this missense variant has a deleterious effect on protein structure/function; Has not been previously published as pathogenic or benign to our knowledge